The following is an entry in ClinVar:

NM_004260.4(RECQL4):c.1257A>G (p.Pro419=)

Gene: RECQL4 (RecQ like helicase 4; minus strand). Cytogenetic location: 8q24.3.
Variant type: single nucleotide variant.
Coding change: c.1257A>G on transcript NM_004260.4 (MANE Select); coding-DNA position 1257, A replaced by G.
Protein change: p.Pro419=; no amino-acid change (proline 419 retained).
Molecular consequence: synonymous variant.
Genome position (GRCh38, 1-based): chr8:144,515,765, T>C on the plus strand (A>G on the coding strand, the complement: RECQL4 is on the minus strand). VCF-style: chr8-144515765-T-C. GRCh37 (hg19) VCF-style: chr8-145741149-T-C.
Identifiers: ClinVar variation 1407686 (VCV001407686.6), dbSNP rs2130711922, ClinGen allele CA463473890.
Genomic context (GRCh38, chr8:144,515,765, plus strand): 5'-GAGCACTGCGCCCTCTCCACAGTGTTGGCCGGACCCACCCTCCAGGGCAGATGTCTCACC[T>C]GGCCGGGGACACTGGGCTGCCCAGTGATCGAACTGCTCGTTCAGGAAACAAGACTCCTTG-3'
Protein context (NP_004251.4, residues 409-429): FDHWAAQCPR[Pro419=]ASEEDTDAVG

ClinVar aggregate classification (germline): Uncertain significance (1 of 4 stars; one submission).

Conditions:
Baller-Gerold syndrome (BGS). Also called: CRANIOSYNOSTOSIS WITH RADIAL DEFECTS. Identifiers: Orphanet 1225, MedGen C0265308, MONDO:0009039, OMIM 218600.

Allele frequency attached by ClinVar (database versions not stated): gnomAD exomes below 0.00001.
gnomAD v4.1: 1 of 1,612,202 alleles (0.000062%); highest among the groups gnomAD compares: South Asian, 0.0011%; no homozygotes.

Submission:

Labcorp Genetics (formerly Invitae), Labcorp
Classification: Uncertain significance for Baller-Gerold syndrome. Last evaluated: 2024-05-08. Review status: criteria provided, single submitter. Criteria: Invitae Variant Classification Sherloc (09022015). Collection method: clinical testing. Allele origin: germline.
Comment: This sequence change affects codon 419 of the RECQL4 mRNA. It is a 'silent' change, meaning that it does not change the encoded amino acid sequence of the RECQL4 protein. It affects a nucleotide within the consensus splice site. This variant is not present in population databases (gnomAD no frequency). This variant has not been reported in the literature in individuals affected with RECQL4-related conditions. ClinVar contains an entry for this variant (Variation ID: 1407686). Algorithms developed to predict the effect of sequence changes on RNA splicing suggest that this variant may disrupt the consensus splice site. In summary, the available evidence is currently insufficient to determine the role of this variant in disease. Therefore, it has been classified as a Variant of Uncertain Significance.